The following is an entry in ClinVar:

NM_000540.3(RYR1):c.12283-7C>T

Gene: RYR1 (ryanodine receptor 1; plus strand). Cytogenetic location: 19q13.2.
Variant type: single nucleotide variant.
Coding change: c.12283-7C>T on transcript NM_000540.3 (MANE Select); 7 bases into the intron before coding-DNA position 12283, C replaced by T.
Molecular consequence: intron variant.
Genome position (GRCh38, 1-based): chr19:38,561,106, C>T. VCF-style: chr19-38561106-C-T. GRCh37 (hg19) VCF-style: chr19-39051746-C-T.
Other names: c.12268-7C>T (NM_001042723.2).
Identifiers: ClinVar variation 167624 (VCV000167624.74), dbSNP rs143861818, ClinGen allele CA023977.

ClinVar aggregate classification (germline): Conflicting classifications of pathogenicity. Review status: criteria provided, conflicting classifications (1 of 4 stars). 13 submissions from 12 submitters: Uncertain significance (1); Benign (3); Likely benign (9). Last evaluated 2026-07-01.

Conditions:
RYR1-related disorder. Also called: RYR1-related disorders; RYR1-related condition. Identifiers: MedGen CN239331.
Congenital myopathy. Identifiers: Orphanet 97245, MedGen C0270960, MONDO:0019952.
Malignant hyperthermia, susceptibility to, 1 (MHS1). Also called: Malignant hyperthermia suceptibility 1; Anesthesia related hyperthermia; Malignant hyperpyrexia; Fulminating hyperpyrexia; Pharmacogenic myopathy; RYR1-Related Malignant Hyperthermia Susceptibility. Identifiers: Orphanet 423, MedGen C2930980, MONDO:0007783, OMIM 145600.
Congenital multicore myopathy with external ophthalmoplegia (CMYO1B). Also called: Congenital myopathy 1B, autosomal recessive; Minicore myopathy; MULTICORE MYOPATHY; MULTIMINICORE DISEASE WITH EXTERNAL OPHTHALMOPLEGIA; Minicore myopathy with external ophthalmoplegia. Identifiers: Orphanet 598, Orphanet 98905, MedGen C1850674, MONDO:0009712, OMIM 255320, HP:0003789.

Allele frequency attached by ClinVar (database versions not stated): 1000 Genomes Project 0.00060; 1000 Genomes Project 30x 0.00078; gnomAD 0.00195 and 0.00206; ExAC 0.00196; gnomAD exomes 0.00196 and 0.00298; TOPMed 0.00204; ESP Exome Variant Server 0.00246.
gnomAD v4.1: 4,637 of 1,613,794 alleles (0.29%); highest among the groups gnomAD compares: Non-Finnish European, 0.35%; 12 homozygotes.

Submissions (13):

CeGaT Center for Human Genetics Tuebingen
Classification: Likely benign. Last evaluated: 2026-07-01. Review status: criteria provided, single submitter. Criteria: CeGaT Center For Human Genetics Tuebingen Variant Classification Criteria Version 2. Collection method: clinical testing. Allele origin: germline. Affected: yes. Observed: 29 variant alleles.
Comment: RYR1: BP4

Labcorp Genetics (formerly Invitae), Labcorp
Classification: Benign for RYR1-related disorder. Last evaluated: 2026-02-01. Review status: criteria provided, single submitter. Criteria: Invitae Variant Classification Sherloc (09022015). Collection method: clinical testing. Allele origin: germline.

Blueprint Genetics
Classification: Likely benign. Last evaluated: 2024-11-22. Review status: criteria provided, single submitter. Criteria: ACMG Guidelines, 2015. Collection method: clinical testing. Allele origin: germline.

Color Diagnostics, LLC DBA Color Health
Classification: Benign for Malignant hyperthermia, susceptibility to, 1. Last evaluated: 2022-09-16. Review status: criteria provided, single submitter. Criteria: ACMG Guidelines, 2015. Collection method: clinical testing. Allele origin: germline.

GeneDx
Classification: Likely benign. Last evaluated: 2020-11-30. Review status: criteria provided, single submitter. Criteria: GeneDx Variant Classification Process June 2021. Collection method: clinical testing. Allele origin: germline. Affected: yes.

Cambridge Genomics Laboratory, East Genomic Laboratory Hub, NHS Genomic Medicine Service
Classification: Likely benign for Congenital myopathy. Last evaluated: 2019-04-17. Review status: criteria provided, single submitter. Criteria: ACGS Best Practice Guidelines for Variant Classification in Rare Disease 2020. Collection method: clinical testing. Allele origin: germline. Affected: yes. Observed: 1 variant allele.

Institute of Human Genetics, University of Leipzig Medical Center
Classification: Likely benign for Malignant hyperthermia, susceptibility to, 1. Last evaluated: 2019-01-01. Review status: criteria provided, single submitter. Criteria: ACMG Guidelines, 2015. Collection method: clinical testing. Allele origin: unknown. Affected: yes.

Athena Diagnostics
Classification: Likely benign. Last evaluated: 2018-08-29. Review status: criteria provided, single submitter. Criteria: Athena Diagnostics Criteria. Collection method: clinical testing. Allele origin: germline.

Illumina Laboratory Services, Illumina
Classification: Likely benign for Malignant hyperthermia, susceptibility to, 1. Last evaluated: 2018-01-13. Review status: criteria provided, single submitter. Criteria: ICSL Variant Classification Criteria 13 December 2019. Collection method: clinical testing. Allele origin: germline.
Comment: This variant was observed in the ICSL laboratory as part of a predisposition screen in an ostensibly healthy population. It had not been previously curated by ICSL or reported in the Human Gene Mutation Database (HGMD: prior to June 1st, 2018), and was therefore a candidate for classification through an automated scoring system. Utilizing variant allele frequency, disease prevalence and penetrance estimates, and inheritance mode, an automated score was calculated to assess if this variant is too frequent to cause the disease. Based on the score and internal cut-off values, a variant classified as likely benign is not then subjected to further curation. The score for this variant resulted in a classification of likely benign for this disease.

Illumina Laboratory Services, Illumina
Classification: Likely benign for Congenital multicore myopathy with external ophthalmoplegia. Last evaluated: 2018-01-13. Review status: criteria provided, single submitter. Criteria: ICSL Variant Classification Criteria 13 December 2019. Collection method: clinical testing. Allele origin: germline.
Comment: the same text as in the submission from Illumina Laboratory Services, Illumina above.

Genetic Services Laboratory, University of Chicago
Classification: Uncertain significance. Last evaluated: 2016-07-01. Review status: criteria provided, single submitter. Criteria: ACMG Guidelines, 2015. Collection method: clinical testing. Allele origin: germline. Affected: no.

Eurofins Ntd Llc (ga)
Classification: Benign. Last evaluated: 2014-02-05. Review status: criteria provided, single submitter. Criteria: EGL Classification Definitions 2015. Collection method: clinical testing. Allele origin: germline. Observed: 1 variant allele, 1 heterozygote.

PreventionGenetics, part of Exact Sciences
Classification: Likely benign. Review status: criteria provided, single submitter. Criteria: ACMG Guidelines, 2015. Collection method: clinical testing. Allele origin: germline.